The following is an entry in ClinVar:

ClinVar aggregate classification (germline): Conflicting classifications of pathogenicity. Review status: criteria provided, conflicting classifications (1 of 4 stars). 2 submissions from 2 submitters: Uncertain significance (1); Likely benign (1). Last evaluated 2026-02-04.

Conditions:
Inborn genetic diseases. Identifiers: MedGen C0950123, MeSH D030342.
Mucolipidosis type IV (ML4). Also called: ML IV. Identifiers: Orphanet 578, MedGen C0238286, MONDO:0009653, OMIM 252650.

Allele frequency attached by ClinVar (database versions not stated): gnomAD exomes 0.00002; ExAC 0.00009; gnomAD 0.00009; TOPMed 0.00010; ESP Exome Variant Server 0.00015; 1000 Genomes Project 30x 0.00016; 1000 Genomes Project 0.00020.
gnomAD v4.1: 42 of 1,614,200 alleles (0.0026%); highest among the groups gnomAD compares: African/African-American, 0.028%; no homozygotes.

Submissions (2):

Labcorp Genetics (formerly Invitae), Labcorp
Classification: Likely benign for Mucolipidosis type IV. Last evaluated: 2026-02-04. Review status: criteria provided, single submitter. Criteria: Invitae Variant Classification Sherloc (09022015). Collection method: clinical testing. Allele origin: germline.

Ambry Genetics
Classification: Uncertain significance for Inborn genetic diseases. Last evaluated: 2024-11-10. Review status: criteria provided, single submitter. Criteria: Ambry Variant Classification Scheme 2023. Collection method: clinical testing. Allele origin: germline.
Comment: The p.V331G variant (also known as c.992T>G), located in coding exon 9 of the MCOLN1 gene, results from a T to G substitution at nucleotide position 992. The valine at codon 331 is replaced by glycine, an amino acid with dissimilar properties. This amino acid position is conserved. In addition, this alteration is predicted to be tolerated by in silico analysis. Based on the available evidence, the clinical significance of this variant remains unclear.

NM_020533.3(MCOLN1):c.992T>G (p.Val331Gly)

Gene: MCOLN1 (mucolipin TRP cation channel 1; plus strand). Cytogenetic location: 19p13.2.
Variant type: single nucleotide variant.
Coding change: c.992T>G on transcript NM_020533.3 (MANE Select); coding-DNA position 992, T replaced by G.
Protein change: p.Val331Gly; replaces valine 331 with glycine.
Molecular consequence: missense variant.
Genome position (GRCh38, 1-based): chr19:7,528,828, T>G. VCF-style: chr19-7528828-T-G. GRCh37 (hg19) VCF-style: chr19-7593714-T-G.
Other names: short protein forms V331G.
Identifiers: ClinVar variation 3124443 (VCV003124443.4), dbSNP rs148240167, ClinGen allele CA9138994.